The following is an entry in ClinVar:

ClinVar aggregate classification (germline): Uncertain significance (1 of 4 stars; one submission).

Conditions:
Autosomal dominant hypocalcemia 1 (HYPOC1). Also called: HYPOCALCEMIA, FAMILIAL. Identifiers: MedGen C3715128, MONDO:0011013, OMIM 601198.
Familial hypocalciuric hypercalcemia (FHH). Also called: Familial benign hypercalcemia. Identifiers: Orphanet 405, MedGen C1809471, MONDO:0018458.

Submission:

Labcorp Genetics (formerly Invitae), Labcorp
Classification: Uncertain significance for Familial hypocalciuric hypercalcemia; Autosomal dominant hypocalcemia 1. Last evaluated: 2024-01-12. Review status: criteria provided, single submitter. Criteria: Invitae Variant Classification Sherloc (09022015). Collection method: clinical testing. Allele origin: germline.
Comment: This sequence change replaces glycine, which is neutral and non-polar, with alanine, which is neutral and non-polar, at codon 685 of the CASR protein (p.Gly685Ala). This variant is not present in population databases (gnomAD no frequency). This variant has not been reported in the literature in individuals affected with CASR-related conditions. ClinVar contains an entry for this variant (Variation ID: 655918). An algorithm developed to predict the effect of missense changes on protein structure and function (PolyPhen-2) suggests that this variant is likely to be disruptive. In summary, the available evidence is currently insufficient to determine the role of this variant in disease. Therefore, it has been classified as a Variant of Uncertain Significance.

NM_000388.4(CASR):c.2054G>C (p.Gly685Ala)

Gene: CASR (calcium sensing receptor; plus strand). Cytogenetic location: 3q21.1.
Variant type: single nucleotide variant.
Coding change: c.2054G>C on transcript NM_000388.4 (MANE Select); coding-DNA position 2054, G replaced by C.
Protein change: p.Gly685Ala; replaces glycine 685 with alanine.
Molecular consequence: missense variant.
Genome position (GRCh38, 1-based): chr3:122,284,008, G>C. VCF-style: chr3-122284008-G-C. GRCh37 (hg19) VCF-style: chr3-122002855-G-C.
Other names: c.2084G>C, p.Gly695Ala (NM_001178065.2); short protein forms G695A, G685A.
Identifiers: ClinVar variation 655918 (VCV000655918.9), dbSNP rs1576877377, ClinGen allele CA354158393.
Genomic context (GRCh38, chr3:122,284,008, plus strand): 5'-CCCTGTTCTTCATCGGGGAGCCCCAGGACTGGACGTGCCGCCTGCGCCAGCCGGCCTTTG[G>C]CATCAGCTTCGTGCTCTGCATCTCATGCATCCTGGTGAAAACCAACCGTGTCCTCCTGGT-3'
Protein context (NP_000379.3, residues 675-695): WTCRLRQPAF[Gly685Ala]ISFVLCISCI